The following is an entry in ClinVar:

NM_004998.4(MYO1E):c.3236A>G (p.Asp1079Gly)

Genes: MYO1E (myosin IE; minus strand), LOC112272600 (Sharpr-MPRA regulatory region 4265; plus strand). Cytogenetic location: 15q22.2.
Variant type: single nucleotide variant.
Coding change: c.3236A>G on transcript NM_004998.4 (MANE Select); coding-DNA position 3236, A replaced by G.
Protein change: p.Asp1079Gly; replaces aspartic acid 1079 with glycine.
Molecular consequence: missense variant.
Genome position (GRCh38, 1-based): chr15:59,138,212, T>C on the plus strand (A>G on the coding strand, the complement: MYO1E is on the minus strand). VCF-style: chr15-59138212-T-C. GRCh37 (hg19) VCF-style: chr15-59430411-T-C.
Other names: c.3236A>G (NM_004998.3); short protein forms D1079G.
Identifiers: ClinVar variation 1588695 (VCV001588695.9), dbSNP rs545492504, ClinGen allele CA7588979.

ClinVar aggregate classification (germline): Likely benign. Review status: criteria provided, multiple submitters, no conflicts (2 of 4 stars). 2 submissions from 2 submitters: Likely benign (2). Last evaluated 2025-08-11.

Conditions:
MYO1E-related disorder. Also called: MYO1E-related condition.

Allele frequency attached by ClinVar (database versions not stated): TOPMed 0.00003; gnomAD 0.00007; gnomAD exomes 0.00013; 1000 Genomes Project 0.00020; ExAC 0.00021; 1000 Genomes Project 30x 0.00031.
gnomAD v4.1: 204 of 1,614,184 alleles (0.013%); highest among the groups gnomAD compares: South Asian, 0.22%; 4 homozygotes.

Submissions (2):

PreventionGenetics, part of Exact Sciences
Classification: Likely benign for MYO1E-related condition. Last evaluated: 2025-08-11. Review status: criteria provided, single submitter. Criteria: ACMG Guidelines, 2015. Collection method: clinical testing. Allele origin: germline.
Comment: This variant is classified as likely benign based on ACMG/AMP sequence variant interpretation guidelines (Richards et al. 2015 PMID: 25741868, with internal and published modifications).

Labcorp Genetics (formerly Invitae), Labcorp
Classification: Likely benign. Last evaluated: 2023-06-30. Review status: criteria provided, single submitter. Criteria: Invitae Variant Classification Sherloc (09022015). Collection method: clinical testing. Allele origin: germline.